The following is an entry in ClinVar:

ClinVar aggregate classification (germline): Uncertain significance (1 of 4 stars; one submission).

Submission:

GeneDx
Classification: Uncertain significance. Last evaluated: 2024-12-27. Review status: criteria provided, single submitter. Criteria: GeneDx Variant Classification Process June 2021. Collection method: clinical testing. Allele origin: germline. Affected: yes.
Comment: Not observed at significant frequency in large population cohorts (gnomAD); In silico analysis supports that this missense variant has a deleterious effect on protein structure/function; Has not been previously published as pathogenic or benign to our knowledge

NM_013450.4(BAZ2B):c.5604C>G (p.Asn1868Lys)

Gene: BAZ2B (bromodomain adjacent to zinc finger domain 2B; minus strand). Cytogenetic location: 2q24.2.
Variant type: single nucleotide variant.
Coding change: c.5604C>G on transcript NM_013450.4 (MANE Select); coding-DNA position 5604, C replaced by G.
Protein change: p.Asn1868Lys; replaces asparagine 1868 with lysine.
Molecular consequence: missense variant.
Genome position (GRCh38, 1-based): chr2:159,337,623, G>C on the plus strand (C>G on the coding strand, the complement: BAZ2B is on the minus strand). VCF-style: chr2-159337623-G-C. GRCh37 (hg19) VCF-style: chr2-160194134-G-C.
Other names: c.5496C>G, p.Asn1832Lys (NM_001289975.1); c.5442C>G, p.Asn1814Lys (NM_001329857.2); c.5529C>G, p.Asn1843Lys (NM_001329858.2); short protein forms N1814K, N1832K, N1843K, N1868K.
Identifiers: ClinVar variation 3908061 (VCV003908061.1).